The following is an entry in ClinVar:

NM_000163.5(GHR):c.52G>A (p.Ala18Thr)

Gene: GHR (growth hormone receptor; plus strand). Cytogenetic location: 5p12.
Variant type: single nucleotide variant.
Coding change: c.52G>A on transcript NM_000163.5 (MANE Select); coding-DNA position 52, G replaced by A.
Protein change: p.Ala18Thr; replaces alanine 18 with threonine.
Molecular consequence: missense variant.
Genome position (GRCh38, 1-based): chr5:42,565,926, G>A. VCF-style: chr5-42565926-G-A. GRCh37 (hg19) VCF-style: chr5-42566028-G-A.
Other names: c.73G>A, p.Ala25Thr (NM_001242399.2); c.52G>A, p.Ala18Thr (NM_001242400.2, NM_001242401.4, NM_001242402.2 and 6 more transcripts); short protein forms A18T, A25T.
Identifiers: ClinVar variation 1993910 (VCV001993910.4), dbSNP rs1749903679, ClinGen allele CA359694477.

ClinVar aggregate classification (germline): Uncertain significance (1 of 4 stars; one submission).

Allele frequency attached by ClinVar (database versions not stated): gnomAD exomes below 0.00001; TOPMed below 0.00001; gnomAD 0.00001.
gnomAD v4.1: 3 of 1,613,936 alleles (0.00019%); highest among the groups gnomAD compares: Non-Finnish European, 0.00025%; no homozygotes.

Submission:

Labcorp Genetics (formerly Invitae), Labcorp
Classification: Uncertain significance. Last evaluated: 2022-05-13. Review status: criteria provided, single submitter. Criteria: Invitae Variant Classification Sherloc (09022015). Collection method: clinical testing. Allele origin: germline.
Comment: In summary, the available evidence is currently insufficient to determine the role of this variant in disease. Therefore, it has been classified as a Variant of Uncertain Significance. Algorithms developed to predict the effect of missense changes on protein structure and function output the following: SIFT: "Tolerated"; PolyPhen-2: "Probably Damaging"; Align-GVGD: "Class C0". The threonine amino acid residue is found in multiple mammalian species, which suggests that this missense change does not adversely affect protein function. This variant has not been reported in the literature in individuals affected with GHR-related conditions. This variant is not present in population databases (gnomAD no frequency). This sequence change replaces alanine, which is neutral and non-polar, with threonine, which is neutral and polar, at codon 18 of the GHR protein (p.Ala18Thr).